The following is an entry in ClinVar:

NM_194248.3(OTOF):c.1365C>A (p.Tyr455Ter)

Gene: OTOF (otoferlin; minus strand). Cytogenetic location: 2p23.3.
Variant type: single nucleotide variant.
Coding change: c.1365C>A on transcript NM_194248.3 (MANE Select); coding-DNA position 1365, C replaced by A.
Protein change: p.Tyr455Ter; replaces tyrosine 455 with a stop codon.
Molecular consequence: nonsense.
Genome position (GRCh38, 1-based): chr2:26,483,489, G>T on the plus strand (C>A on the coding strand, the complement: OTOF is on the minus strand). VCF-style: chr2-26483489-G-T. GRCh37 (hg19) VCF-style: chr2-26706357-G-T.
Other names: c.1365C>A, p.Tyr455Ter (NM_001287489.2); short protein forms Y455*.
Identifiers: ClinVar variation 2985201 (VCV002985201.3), dbSNP rs572162678, ClinGen allele CA1564305.

ClinVar aggregate classification (germline): Pathogenic (1 of 4 stars; one submission).

gnomAD v4.1: 5 of 1,613,794 alleles (0.00031%); highest among the groups gnomAD compares: African/African-American, 0.0067%; no homozygotes.

Submission:

Labcorp Genetics (formerly Invitae), Labcorp
Classification: Pathogenic. Last evaluated: 2022-12-09. Review status: criteria provided, single submitter. Criteria: Invitae Variant Classification Sherloc (09022015). Collection method: clinical testing. Allele origin: germline.
Comment: The frequency data for this variant in the population databases is considered unreliable, as metrics indicate poor data quality at this position in the gnomAD database. This sequence change creates a premature translational stop signal (p.Tyr455*) in the OTOF gene. It is expected to result in an absent or disrupted protein product. Loss-of-function variants in OTOF are known to be pathogenic (PMID: 18381613, 19250381, 22575033). This variant has not been reported in the literature in individuals affected with OTOF-related conditions. For these reasons, this variant has been classified as Pathogenic.

Literature cited by the submitters: PubMed 18381613; PubMed 19250381; PubMed 22575033.